The following is an entry in ClinVar:

ClinVar aggregate classification (germline): Likely benign. Review status: reviewed by expert panel (3 of 4 stars). 5 submissions from 5 submitters: Likely benign (1). 4 of the submissions do not count toward it. Last evaluated 2023-08-02.

Conditions:
CDH1-related diffuse gastric and lobular breast cancer syndrome. Also called: CDH1-related diffuse gastric and lobular breast cancer. Identifiers: MedGen CN311521, MONDO:0100488.
Hereditary cancer-predisposing syndrome. Also called: Neoplastic Syndromes, Hereditary; Hereditary Cancer Syndrome; Tumor predisposition; Hereditary neoplastic syndrome. Identifiers: Orphanet 140162, MedGen C0027672, MeSH D009386, MONDO:0015356.
Hereditary diffuse gastric adenocarcinoma (HDGC). Also called: DIFFUSE GASTRIC AND LOBULAR BREAST CANCER SYNDROME. Identifiers: Orphanet 26106, MedGen C1708349, MONDO:0007648, OMIM 137215.

Allele frequency attached by ClinVar (database versions not stated): gnomAD exomes below 0.00001.
gnomAD v4.1: 4 of 1,543,472 alleles (0.00026%); highest among the groups gnomAD compares: Non-Finnish European, 0.00035%; no homozygotes.

Submissions (5):

Clingen Gastric Cancer Variant Curation Expert Panel
Classification: Likely benign for CDH1-related diffuse gastric and lobular breast cancer syndrome. Last evaluated: 2023-08-02. Review status: reviewed by expert panel. Criteria: ClinGen CDH1 ACMG Specifications V3.1. Collection method: curation. Allele origin: germline. Inheritance: Autosomal dominant inheritance.
Comment: The c.161G>A (p.Arg54Lys) missense variant is absent in the gnomAD 2.1.1 cohort (PM2_supporting). This variant has been observed in at least 10 individuals without DGC, SRC tumours or LBC and whose families do not suggest HDGC (BS2; SCV000274257.4, SCV000637737.4, unpublished data). In summary, although a conflicting code PM2_supporting is met, this variant meets criteria to be classified as likely benign based on ACMG/AMP criteria applied as specified by the CDH1 Variant Curation Expert Panel: PM2_supporting, BS2. (CDH1 VCEP specifications version 3.1; 04/24/2023)

Ambry Genetics
Classification: Likely benign for Hereditary cancer-predisposing syndrome. Last evaluated: 2026-05-19. Review status: criteria provided, single submitter. Criteria: Ambry Variant Classification Scheme 2023. Collection method: clinical testing. Allele origin: germline. Not counted in ClinVar's aggregate classification.

Labcorp Genetics (formerly Invitae), Labcorp
Classification: Uncertain significance for Hereditary diffuse gastric adenocarcinoma. Last evaluated: 2025-04-17. Review status: criteria provided, single submitter. Criteria: Invitae Variant Classification Sherloc (09022015). Collection method: clinical testing. Allele origin: germline. Not counted in ClinVar's aggregate classification.
Comment: This sequence change replaces arginine, which is basic and polar, with lysine, which is basic and polar, at codon 54 of the CDH1 protein (p.Arg54Lys). This variant is not present in population databases (gnomAD no frequency). This variant has not been reported in the literature in individuals affected with CDH1-related conditions. ClinVar contains an entry for this variant (Variation ID: 230641). An algorithm developed to predict the effect of missense changes on protein structure and function outputs the following: PolyPhen-2: "Benign". The lysine amino acid residue is found in multiple mammalian species, which suggests that this missense change does not adversely affect protein function. In summary, the available evidence is currently insufficient to determine the role of this variant in disease. Therefore, it has been classified as a Variant of Uncertain Significance.

Color Diagnostics, LLC DBA Color Health
Classification: Uncertain significance for Hereditary cancer-predisposing syndrome. Last evaluated: 2022-02-14. Review status: criteria provided, single submitter. Criteria: ACMG Guidelines, 2015. Collection method: clinical testing. Allele origin: germline. Not counted in ClinVar's aggregate classification.
Comment: This missense variant replaces arginine with lysine at codon 54 of the CDH1 protein. To our knowledge, functional studies have not been reported for this variant. This variant has not been reported in individuals affected with hereditary cancer in the literature. This variant has not been identified in the general population by the Genome Aggregation Database (gnomAD). The available evidence is insufficient to determine the role of this variant in disease conclusively. Therefore, this variant is classified as a Variant of Uncertain Significance.

Sema4
Classification: Uncertain significance for Hereditary cancer-predisposing syndrome. Last evaluated: 2021-04-16. Review status: criteria provided, single submitter. Criteria: Sema4 Curation Guidelines. Collection method: curation. Allele origin: germline. Not counted in ClinVar's aggregate classification.
Comment: To the best of our knowledge, the CDH1 c.161G>A (p.R54K) variant has not been reported in the germline of individuals with CDH1-related disease. It was not observed in the large and broad cohorts of the Genome Aggregation Database. The variant has been reported in ClinVar (Variation ID 230641). In silico tools suggest the impact of the variant on protein function is benign, though these predictions have not been confirmed by functional studies. The evidence is insufficient to meet ACMG/AMP criteria for classifying the variant as benign or pathogenic. Thus, the clinical significance of this variant is currently uncertain.

Literature cited by the submitters: PubMed 29156750 (cited by Sema4).

NM_004360.5(CDH1):c.161G>A (p.Arg54Lys)

Gene: CDH1 (cadherin 1; plus strand). Cytogenetic location: 16q22.1.
Variant type: single nucleotide variant.
Coding change: c.161G>A on transcript NM_004360.5 (MANE Select); coding-DNA position 161, G replaced by A.
Protein change: p.Arg54Lys; replaces arginine 54 with lysine.
Molecular consequence: missense variant. On other transcripts: 5 prime UTR variant (2).
Genome position (GRCh38, 1-based): chr16:68,738,409, G>A. VCF-style: chr16-68738409-G-A. GRCh37 (hg19) VCF-style: chr16-68772312-G-A.
Other names: NM_004360.5(CDH1):c.161G>A; p.Arg54Lys; c.161G>A (LRG_301t1); c.161G>A, p.Arg54Lys (NM_001317184.2); c.-1455G>A (NM_001317185.2); c.-1659G>A (NM_001317186.2); short protein forms R54K.
Identifiers: ClinVar variation 230641 (VCV000230641.22), dbSNP rs876658680, ClinGen allele CA10580076.